The following is an entry in ClinVar:

NM_001378454.1(ALMS1):c.12299-19C>T

Gene: ALMS1 (ALMS1 centrosome and basal body associated protein; plus strand). Cytogenetic location: 2p13.1.
Variant type: single nucleotide variant.
Coding change: c.12299-19C>T on transcript NM_001378454.1 (MANE Select); 19 bases into the intron before coding-DNA position 12299, C replaced by T.
Molecular consequence: intron variant.
Genome position (GRCh38, 1-based): chr2:73,603,222, C>T. VCF-style: chr2-73603222-C-T. GRCh37 (hg19) VCF-style: chr2-73830349-C-T.
Other names: c.12299-19C>T (NM_015120.4); c.12302-19C>T (NM_015120.4).
Identifiers: ClinVar variation 515905 (VCV000515905.3), dbSNP rs1553422031, ClinGen allele CA533676692.
Genomic context (GRCh38, chr2:73,603,222, plus strand): 5'-AGCTCCCTCTCCCAGCTCTTGCACCACACCCTCTGGGTTAAGTCACTGTCCACTGAAAAC[C>T]CTTTCTTCTCTTGCCTAGTCTTCCTGGCTATCCAGAAGAACAAGCCTATCAGCAAGAAGG-3'

ClinVar aggregate classification (germline): Likely benign. Review status: criteria provided, multiple submitters, no conflicts (2 of 4 stars). 2 submissions from 2 submitters: Likely benign (2). Last evaluated 2024-07-15.

Conditions:
Alstrom syndrome (ALMS). Identifiers: Orphanet 64, MedGen C0268425, MONDO:0008763, OMIM 203800.

Allele frequency attached by ClinVar (database versions not stated): TOPMed below 0.00001; gnomAD 0.00001.
gnomAD v4.1: 1 of 1,613,652 alleles (0.000062%); highest among the groups gnomAD compares: Non-Finnish European, 0.000085%; no homozygotes.

Submissions (2):

Labcorp Genetics (formerly Invitae), Labcorp
Classification: Likely benign for Alstrom syndrome. Last evaluated: 2024-07-15. Review status: criteria provided, single submitter. Criteria: Invitae Variant Classification Sherloc (09022015). Collection method: clinical testing. Allele origin: germline.

GeneDx
Classification: Likely benign. Last evaluated: 2018-03-09. Review status: criteria provided, single submitter. Criteria: GeneDx Variant Classification (06012015). Collection method: clinical testing. Allele origin: germline. Affected: yes.
Comment: This variant is considered likely benign or benign based on one or more of the following criteria: it is a conservative change, it occurs at a poorly conserved position in the protein, it is predicted to be benign by multiple in silico algorithms, and/or has population frequency not consistent with disease.